The following is an entry in ClinVar:

ClinVar aggregate classification (germline): Uncertain significance (1 of 4 stars; one submission).

Allele frequency attached by ClinVar (database versions not stated): gnomAD 0.00002; ExAC 0.00003; TOPMed 0.00003.
gnomAD v4.1: 34 of 1,613,002 alleles (0.0021%); highest among the groups gnomAD compares: Non-Finnish European, 0.0029%; no homozygotes.

Submission:

GeneDx
Classification: Uncertain significance. Last evaluated: 2023-12-07. Review status: criteria provided, single submitter. Criteria: GeneDx Variant Classification Process June 2021. Collection method: clinical testing. Allele origin: germline. Affected: yes.
Comment: Not observed at significant frequency in large population cohorts (gnomAD); In silico analysis supports that this missense variant does not alter protein structure/function; Has not been previously published as pathogenic or benign to our knowledge

NM_018082.6(POLR3B):c.53C>T (p.Ala18Val)

Gene: POLR3B (RNA polymerase III subunit B; plus strand). Cytogenetic location: 12q23.3.
Variant type: single nucleotide variant.
Coding change: c.53C>T on transcript NM_018082.6 (MANE Select); coding-DNA position 53, C replaced by T.
Protein change: p.Ala18Val; replaces alanine 18 with valine.
Molecular consequence: missense variant.
Genome position (GRCh38, 1-based): chr12:106,357,932, C>T. VCF-style: chr12-106357932-C-T. GRCh37 (hg19) VCF-style: chr12-106751710-C-T.
Other names: short protein forms A18V.
Identifiers: ClinVar variation 3252369 (VCV003252369.1), dbSNP rs758602438.